The following is an entry in ClinVar:

NM_020070.4(IGLL1):c.72G>T (p.Trp24Cys)

Gene: IGLL1 (immunoglobulin lambda like polypeptide 1; minus strand). Cytogenetic location: 22q11.23.
Variant type: single nucleotide variant.
Coding change: c.72G>T on transcript NM_020070.4 (MANE Select); coding-DNA position 72, G replaced by T.
Protein change: p.Trp24Cys; replaces tryptophan 24 with cysteine.
Molecular consequence: missense variant.
Genome position (GRCh38, 1-based): chr22:23,580,119, C>A on the plus strand (G>T on the coding strand, the complement: IGLL1 is on the minus strand). VCF-style: chr22-23580119-C-A. GRCh37 (hg19) VCF-style: chr22-23922306-C-A.
Other names: c.72G>T, p.Trp24Cys (NM_001369906.1, NM_152855.3); short protein forms W24C.
Identifiers: ClinVar variation 3664404 (VCV003664404.2).

ClinVar aggregate classification (germline): Uncertain significance (1 of 4 stars; one submission).

Conditions:
Agammaglobulinemia 2, autosomal recessive (AGM2). Also called: AGAMMAGLOBULINEMIA, AUTOSOMAL RECESSIVE, DUE TO IGLL1 DEFECT. Identifiers: MedGen C3150750, MONDO:0013287, OMIM 613500.

Submission:

Labcorp Genetics (formerly Invitae), Labcorp
Classification: Uncertain significance for Agammaglobulinemia 2, autosomal recessive. Last evaluated: 2024-09-03. Review status: criteria provided, single submitter. Criteria: Invitae Variant Classification Sherloc (09022015). Collection method: clinical testing. Allele origin: germline.
Comment: This sequence change replaces tryptophan, which is neutral and slightly polar, with cysteine, which is neutral and slightly polar, at codon 24 of the IGLL1 protein (p.Trp24Cys). This variant is not present in population databases (gnomAD no frequency). This variant has not been reported in the literature in individuals affected with IGLL1-related conditions. An algorithm developed to predict the effect of missense changes on protein structure and function (PolyPhen-2) suggests that this variant is likely to be disruptive. In summary, the available evidence is currently insufficient to determine the role of this variant in disease. Therefore, it has been classified as a Variant of Uncertain Significance.